The following is an entry in ClinVar:

ClinVar aggregate classification (germline): Uncertain significance. Review status: criteria provided, multiple submitters, no conflicts (2 of 4 stars). 2 submissions from 2 submitters: Uncertain significance (2). Last evaluated 2025-10-19.

Conditions:
Inborn genetic diseases. Identifiers: MedGen C0950123, MeSH D030342.

Allele frequency attached by ClinVar (database versions not stated): ExAC 0.00001; gnomAD 0.00001; TOPMed 0.00002.
gnomAD v4.1: 36 of 1,613,780 alleles (0.0022%); highest among the groups gnomAD compares: Middle Eastern, 0.016%; no homozygotes.

Submissions (2):

Labcorp Genetics (formerly Invitae), Labcorp
Classification: Uncertain significance. Last evaluated: 2025-10-19. Review status: criteria provided, single submitter. Criteria: Invitae Variant Classification Sherloc (09022015). Collection method: clinical testing. Allele origin: germline.
Comment: This sequence change replaces isoleucine, which is neutral and non-polar, with valine, which is neutral and non-polar, at codon 250 of the TNNI3K protein (p.Ile250Val). This variant is present in population databases (rs201769579, gnomAD 0.007%). This variant has not been reported in the literature in individuals affected with TNNI3K-related conditions. ClinVar contains an entry for this variant (Variation ID: 1898300). Invitae Evidence Modeling of protein sequence and biophysical properties (such as structural, functional, and spatial information, amino acid conservation, physicochemical variation, residue mobility, and thermodynamic stability) indicates that this missense variant is not expected to disrupt TNNI3K protein function with a negative predictive value of 80%. In summary, the available evidence is currently insufficient to determine the role of this variant in disease. Therefore, it has been classified as a Variant of Uncertain Significance.

Ambry Genetics
Classification: Uncertain significance for Inborn genetic diseases. Last evaluated: 2025-08-07. Review status: criteria provided, single submitter. Criteria: Ambry Variant Classification Scheme 2023. Collection method: clinical testing. Allele origin: germline.

NM_015978.3(TNNI3K):c.748A>G (p.Ile250Val)

Genes: FPGT-TNNI3K (FPGT-TNNI3K readthrough; plus strand), TNNI3K (TNNI3 interacting kinase; plus strand). Cytogenetic location: 1p31.1.
Variant type: single nucleotide variant.
Coding change: c.748A>G on transcript NM_015978.3 (MANE Select); coding-DNA position 748, A replaced by G.
Protein change: p.Ile250Val; replaces isoleucine 250 with valine.
Molecular consequence: missense variant.
Genome position (GRCh38, 1-based): chr1:74,342,907, A>G. VCF-style: chr1-74342907-A-G. GRCh37 (hg19) VCF-style: chr1-74808591-A-G.
Other names: c.1051A>G, p.Ile351Val (NM_001112808.3, NM_001199327.2); c.748A>G (NM_015978.2); short protein forms I351V, I250V.
Identifiers: ClinVar variation 1898300 (VCV001898300.6), dbSNP rs201769579, ClinGen allele CA909000.